The following is an entry in ClinVar:

NM_001077365.2(POMT1):c.1658T>C (p.Leu553Pro)

Gene: POMT1 (protein O-mannosyltransferase 1; plus strand). Cytogenetic location: 9q34.13.
Variant type: single nucleotide variant.
Coding change: c.1658T>C on transcript NM_001077365.2 (MANE Select); coding-DNA position 1658, T replaced by C.
Protein change: p.Leu553Pro; replaces leucine 553 with proline.
Molecular consequence: missense variant. On other transcripts: non-coding transcript variant (10).
Genome position (GRCh38, 1-based): chr9:131,520,153, T>C. VCF-style: chr9-131520153-T-C. GRCh37 (hg19) VCF-style: chr9-134395540-T-C.
Other names: c.1307T>C, p.Leu436Pro (NM_001374691.1, NM_001374692.1, NM_001374693.1 and 2 more transcripts); c.1268T>C, p.Leu423Pro (NM_001374695.1); c.1724T>C, p.Leu575Pro (NM_007171.4, NM_001353193.2); c.1496T>C, p.Leu499Pro (NM_001077366.2, NM_001353194.2); c.1658T>C, p.Leu553Pro (NM_001136113.2); c.1568T>C, p.Leu523Pro (NM_001353196.2); c.1562T>C, p.Leu521Pro (NM_001353197.2, NM_001353198.2); c.1373T>C, p.Leu458Pro (NM_001353199.2); and 3 more; short protein forms L401P, L499P, L521P, L523P, L553P, L436P, L458P, L575P.
Identifiers: ClinVar variation 649984 (VCV000649984.1), dbSNP rs777490066, ClinGen allele CA5293767.
Genomic context (GRCh38, chr9:131,520,153, plus strand): 5'-CGCTGAGAAGTGATGACTCGGAACACAAGTACAGCTCCAGCCCACTGGAGTGGGTCACCC[T>C]GGACACCAATATTGCCTACTGGCTGCACCCCAGGACCAGCGTAAGCGAGCGATGCTGACA-3'
Protein context (NP_001070833.1, residues 543-563): YSSSPLEWVT[Leu553Pro]DTNIAYWLHP

ClinVar aggregate classification (germline): Uncertain significance (1 of 4 stars; one submission).

Conditions:
Muscular dystrophy-dystroglycanopathy (congenital with impaired intellectual development), type B, 1. Also called: Muscular dystrophy-dystroglycanopathy (congenital with intellectual disability), type B1; MUSCULAR DYSTROPHY, CONGENITAL, POMT1-RELATED. Identifiers: MedGen C5436962, MONDO:0013159, OMIM 613155.
Autosomal recessive limb-girdle muscular dystrophy type 2K. Also called: MUSCULAR DYSTROPHY-DYSTROGLYCANOPATHY (LIMB-GIRDLE), TYPE C, 1; MUSCULAR DYSTROPHY, LIMB-GIRDLE, TYPE 2K. Identifiers: Orphanet 86812, MedGen C1836373, MONDO:0012248, OMIM 609308.
Walker-Warburg congenital muscular dystrophy. Also called: Muscular dystrophy-dystroglycanopathy, type A; Walker-Warburg syndrome. Identifiers: Orphanet 899, MedGen C0265221, MONDO:0000171.

Allele frequency attached by ClinVar (database versions not stated): gnomAD exomes below 0.00001; ExAC 0.00001.
gnomAD v4.1: 2 of 1,613,834 alleles (0.00012%); highest among the groups gnomAD compares: Non-Finnish European, 0.00017%; no homozygotes.

Submission:

Labcorp Genetics (formerly Invitae), Labcorp
Classification: Uncertain significance for Congenital muscular dystrophy-dystroglycanopathy with mental retardation, type B1; Walker-Warburg congenital muscular dystrophy; Limb-girdle muscular dystrophy-dystroglycanopathy, type C1. Last evaluated: 2018-09-13. Review status: criteria provided, single submitter. Criteria: Invitae Variant Classification Sherloc (09022015). Collection method: clinical testing. Allele origin: germline.
Comment: This sequence change replaces leucine with proline at codon 575 of the POMT1 protein (p.Leu575Pro). The leucine residue is moderately conserved and there is a moderate physicochemical difference between leucine and proline. This variant is present in population databases (rs777490066, ExAC 0.002%). This variant has not been reported in the literature in individuals with POMT1-related disease. Algorithms developed to predict the effect of missense changes on protein structure and function are either unavailable or do not agree on the potential impact of this missense change (SIFT: "Deleterious"; PolyPhen-2: "Probably Damaging"; Align-GVGD: "Class C0"). In summary, the available evidence is currently insufficient to determine the role of this variant in disease. Therefore, it has been classified as a Variant of Uncertain Significance.